The following is an entry in ClinVar:

NM_000218.3(KCNQ1):c.1514+553C>T

Genes: KCNQ1 (potassium voltage-gated channel subfamily Q member 1; plus strand), KCNQ1OT1 (KCNQ1 opposite strand/antisense transcript 1; minus strand). Cytogenetic location: 11p15.5.
Variant type: single nucleotide variant.
Coding change: c.1514+553C>T on transcript NM_000218.3 (MANE Select); 553 bases into the intron after coding-DNA position 1514, C replaced by T.
Molecular consequence: intron variant. On other transcripts: non-coding transcript variant (1).
Genome position (GRCh38, 1-based): chr11:2,662,634, C>T. VCF-style: chr11-2662634-C-T. GRCh37 (hg19) VCF-style: chr11-2683864-C-T.
Other names: c.1244+553C>T (NM_001406837.1); c.1418+553C>T (NM_001406836.1); c.974+553C>T (NM_001406838.1); c.1133+553C>T (NM_181798.2).
Identifiers: ClinVar variation 2641448 (VCV002641448.24), dbSNP rs778151566, ClinGen allele CA216171558.

ClinVar aggregate classification (germline): Likely benign (1 of 4 stars; one submission).

Allele frequency attached by ClinVar (database versions not stated): 1000 Genomes Project 30x 0.00031; gnomAD 0.00054; TOPMed 0.00060; gnomAD exomes 0.00067.
gnomAD v4.1: 257 of 409,214 alleles (0.063%); highest among the groups gnomAD compares: Non-Finnish European, 0.091%; no homozygotes.

Submission:

CeGaT Center for Human Genetics Tuebingen
Classification: Likely benign. Last evaluated: 2023-05-01. Review status: criteria provided, single submitter. Criteria: CeGaT Center For Human Genetics Tuebingen Variant Classification Criteria Version 2. Collection method: clinical testing. Allele origin: germline. Affected: yes. Observed: 1 variant allele.
Comment: KCNQ1OT1: BS1